The following is an entry in ClinVar:

ClinVar aggregate classification (germline): Uncertain significance. Review status: criteria provided, multiple submitters, no conflicts (2 of 4 stars). 3 submissions from 2 submitters: Uncertain significance (3). Last evaluated 2021-12-02.

Conditions:
LAMB2-related infantile-onset nephrotic syndrome. Also called: NEPHROTIC SYNDROME, TYPE 5, WITHOUT OCULAR ABNORMALITIES; NEPHROTIC SYNDROME, TYPE 5, WITH OCULAR ABNORMALITIES; Nephrotic Syndrome, type 5. Identifiers: Orphanet 306507, MedGen C3280113, MONDO:0013621, OMIM 614199.
Pierson syndrome. Also called: MICROCORIA-CONGENITAL NEPHROTIC SYNDROME. Identifiers: Orphanet 2670, MedGen C1836876, MONDO:0012184, OMIM 609049.

Allele frequency attached by ClinVar (database versions not stated): gnomAD exomes below 0.00001; TOPMed below 0.00001; gnomAD 0.00001.
gnomAD v4.1: 8 of 1,614,002 alleles (0.0005%); highest among the groups gnomAD compares: South Asian, 0.0011%; no homozygotes.

Submissions (3):

Labcorp Genetics (formerly Invitae), Labcorp
Classification: Uncertain significance for LAMB2-related infantile-onset nephrotic syndrome; Pierson syndrome. Last evaluated: 2021-12-02. Review status: criteria provided, single submitter. Criteria: Invitae Variant Classification Sherloc (09022015). Collection method: clinical testing. Allele origin: germline.
Comment: In summary, the available evidence is currently insufficient to determine the role of this variant in disease. Therefore, it has been classified as a Variant of Uncertain Significance. Algorithms developed to predict the effect of missense changes on protein structure and function output the following: SIFT: "Deleterious"; PolyPhen-2: "Benign"; Align-GVGD: "Class C25". The histidine amino acid residue is found in multiple mammalian species, which suggests that this missense change does not adversely affect protein function. ClinVar contains an entry for this variant (Variation ID: 345999). This variant has not been reported in the literature in individuals affected with LAMB2-related conditions. This variant is present in population databases (no rsID available, gnomAD 0.003%). This sequence change replaces arginine, which is basic and polar, with histidine, which is basic and polar, at codon 812 of the LAMB2 protein (p.Arg812His).

Illumina Laboratory Services, Illumina
Classification: Uncertain significance for LAMB2-related infantile-onset nephrotic syndrome. Last evaluated: 2018-01-13. Review status: criteria provided, single submitter. Criteria: ICSL Variant Classification Criteria 13 December 2019. Collection method: clinical testing. Allele origin: germline.

Illumina Laboratory Services, Illumina
Classification: Uncertain significance for Pierson syndrome. Last evaluated: 2018-01-13. Review status: criteria provided, single submitter. Criteria: ICSL Variant Classification Criteria 13 December 2019. Collection method: clinical testing. Allele origin: germline.

NM_002292.4(LAMB2):c.2435G>A (p.Arg812His)

Gene: LAMB2 (laminin subunit beta 2; minus strand). Cytogenetic location: 3p21.31.
Variant type: single nucleotide variant.
Coding change: c.2435G>A on transcript NM_002292.4 (MANE Select); coding-DNA position 2435, G replaced by A.
Protein change: p.Arg812His; replaces arginine 812 with histidine.
Molecular consequence: missense variant.
Genome position (GRCh38, 1-based): chr3:49,125,800, C>T on the plus strand (G>A on the coding strand, the complement: LAMB2 is on the minus strand). VCF-style: chr3-49125800-C-T. GRCh37 (hg19) VCF-style: chr3-49163233-C-T.
Other names: short protein forms R812H.
Identifiers: ClinVar variation 345999 (VCV000345999.10), dbSNP rs886058674, ClinGen allele CA10616338.